The following is an entry in ClinVar:

ClinVar aggregate classification (germline): Uncertain significance (1 of 4 stars; one submission).

Conditions:
Charcot-Marie-Tooth disease dominant intermediate F. Identifiers: Orphanet 352670, MedGen C4749463, MONDO:0014074, OMIM 615185.

gnomAD v4.1: 4 of 1,614,148 alleles (0.00025%); highest among the groups gnomAD compares: South Asian, 0.0044%; no homozygotes.

Submission:

Labcorp Genetics (formerly Invitae), Labcorp
Classification: Uncertain significance for Charcot-Marie-Tooth disease dominant intermediate F. Last evaluated: 2024-06-01. Review status: criteria provided, single submitter. Criteria: Invitae Variant Classification Sherloc (09022015). Collection method: clinical testing. Allele origin: germline.
Comment: This sequence change replaces threonine, which is neutral and polar, with alanine, which is neutral and non-polar, at codon 165 of the GNB4 protein (p.Thr165Ala). This variant is present in population databases (rs748257526, gnomAD 0.003%). This variant has not been reported in the literature in individuals affected with GNB4-related conditions. Advanced modeling of protein sequence and biophysical properties (such as structural, functional, and spatial information, amino acid conservation, physicochemical variation, residue mobility, and thermodynamic stability) performed at Invitae indicates that this missense variant is expected to disrupt GNB4 protein function with a positive predictive value of 80%. In summary, the available evidence is currently insufficient to determine the role of this variant in disease. Therefore, it has been classified as a Variant of Uncertain Significance.

NM_021629.4(GNB4):c.493A>G (p.Thr165Ala)

Gene: GNB4 (G protein subunit beta 4; minus strand). Cytogenetic location: 3q26.33.
Variant type: single nucleotide variant.
Coding change: c.493A>G on transcript NM_021629.4 (MANE Select); coding-DNA position 493, A replaced by G.
Protein change: p.Thr165Ala; replaces threonine 165 with alanine.
Molecular consequence: missense variant.
Genome position (GRCh38, 1-based): chr3:179,413,719, T>C on the plus strand (A>G on the coding strand, the complement: GNB4 is on the minus strand). VCF-style: chr3-179413719-T-C. GRCh37 (hg19) VCF-style: chr3-179131507-T-C.
Other names: short protein forms T165A.
Identifiers: ClinVar variation 3624205 (VCV003624205.2).